The following is an entry in ClinVar:

NM_001854.4(COL11A1):c.2846G>A (p.Gly949Glu)

Gene: COL11A1 (collagen type XI alpha 1 chain; minus strand). Cytogenetic location: 1p21.1.
Variant type: single nucleotide variant.
Coding change: c.2846G>A on transcript NM_001854.4 (MANE Select); coding-DNA position 2846, G replaced by A.
Protein change: p.Gly949Glu; replaces glycine 949 with glutamic acid.
Molecular consequence: missense variant. On other transcripts: non-coding transcript variant (1).
Genome position (GRCh38, 1-based): chr1:102,970,235, C>T on the plus strand (G>A on the coding strand, the complement: COL11A1 is on the minus strand). VCF-style: chr1-102970235-C-T. GRCh37 (hg19) VCF-style: chr1-103435791-C-T.
Other names: c.2498G>A, p.Gly833Glu (NM_001168249.1, NM_080630.4); c.2729G>A, p.Gly910Glu (NM_001190709.2); c.2882G>A, p.Gly961Glu (NM_080629.3); short protein forms G833E, G910E, G949E, G961E.
Identifiers: ClinVar variation 1716293 (VCV001716293.5), dbSNP rs2525015444, ClinGen allele CA341160564.

ClinVar aggregate classification (germline): Uncertain significance (1 of 4 stars; one submission).

Submission:

Labcorp Genetics (formerly Invitae), Labcorp
Classification: Uncertain significance. Last evaluated: 2022-08-13. Review status: criteria provided, single submitter. Criteria: Invitae Variant Classification Sherloc (09022015). Collection method: clinical testing. Allele origin: germline.
Comment: In summary, the available evidence is currently insufficient to determine the role of this variant in disease. Therefore, it has been classified as a Variant of Uncertain Significance. Advanced modeling of protein sequence and biophysical properties (such as structural, functional, and spatial information, amino acid conservation, physicochemical variation, residue mobility, and thermodynamic stability) performed at Invitae indicates that this missense variant is expected to disrupt COL11A1 protein function. This variant has not been reported in the literature in individuals affected with COL11A1-related conditions. This variant is not present in population databases (gnomAD no frequency). This sequence change replaces glycine, which is neutral and non-polar, with glutamic acid, which is acidic and polar, at codon 949 of the COL11A1 protein (p.Gly949Glu).